The following is an entry in ClinVar:

ClinVar aggregate classification (germline): Likely pathogenic. Review status: criteria provided, single submitter (1 of 4 stars). 2 submissions from 2 submitters: Likely pathogenic (1). 1 of the submissions does not count toward it. Last evaluated 2018-10-15.

Conditions:
Meier-Gorlin syndrome 7. Identifiers: Orphanet 2554, MedGen C4310738, MONDO:0014894, OMIM 617063. Disease mechanism: loss of function.

Allele frequency attached by ClinVar (database versions not stated): gnomAD exomes below 0.00001.
gnomAD v4.1: 1 of 1,600,828 alleles (0.000062%); highest among the groups gnomAD compares: Non-Finnish European, 0.000086%; no homozygotes.

Submissions (2):

SIB Swiss Institute of Bioinformatics
Classification: Likely pathogenic for Meier-Gorlin syndrome 7. Last evaluated: 2018-10-15. Review status: criteria provided, single submitter. Criteria: ACMG Guidelines, 2015. Collection method: curation. Allele origin: unknown.
Comment: This variant is interpreted as Likely Pathogenic, for Meier-Gorlin syndrome 7, autosomal recessive. The following ACMG Tag(s) were applied: PM2 => Absent from controls (or at extremely low frequency if recessive) in Exome Sequencing Project, 1000 Genomes Project, or Exome Aggregation Consortium. PS3 => Well-established functional studies show a deleterious effect (PubMed 27374770).

OMIM
Classification: Pathogenic for MEIER-GORLIN SYNDROME 7. Last evaluated: 2016-10-20. Review status: no assertion criteria provided. Collection method: literature only. Allele origin: germline. Not counted in ClinVar's aggregate classification.

Literature cited by the submitters: PubMed 27374770 (cited by SIB Swiss Institute of Bioinformatics and OMIM).

NM_003504.5(CDC45):c.203A>G (p.Gln68Arg)

Gene: CDC45 (cell division cycle 45; plus strand). Cytogenetic location: 22q11.21.
Variant type: single nucleotide variant.
Coding change: c.203A>G on transcript NM_003504.5 (MANE Select); coding-DNA position 203, A replaced by G.
Protein change: p.Gln68Arg; replaces glutamine 68 with arginine.
Molecular consequence: missense variant. On other transcripts: non-coding transcript variant (1).
Genome position (GRCh38, 1-based): chr22:19,481,044, A>G. VCF-style: chr22-19481044-A-G. GRCh37 (hg19) VCF-style: chr22-19468567-A-G.
Other names: c.203A>G, p.Gln68Arg (NM_001178010.2, NM_001178011.2); c.167A>G, p.Gln56Arg (NM_001369291.1); short protein forms Q68R, Q56R.
Identifiers: ClinVar variation 253102 (VCV000253102.2), dbSNP rs879255633, ClinGen allele CA10586198.